The following is an entry in ClinVar:

ClinVar aggregate classification (germline): Likely pathogenic (1 of 4 stars; one submission).

Submission:

GeneDx
Classification: Likely pathogenic. Last evaluated: 2022-06-01. Review status: criteria provided, single submitter. Criteria: GeneDx Variant Classification Process June 2021. Collection method: clinical testing. Allele origin: germline. Affected: yes.
Comment: Not observed in large population cohorts (gnomAD); In silico analysis, which includes protein predictors and evolutionary conservation, supports a deleterious effect; Has not been previously published as pathogenic or benign to our knowledge

NM_000719.7(CACNA1C):c.3503C>A (p.Thr1168Asn)

Gene: CACNA1C (calcium voltage-gated channel subunit alpha1 C; plus strand). Cytogenetic location: 12p13.33.
Variant type: single nucleotide variant.
Coding change: c.3503C>A on transcript NM_000719.7 (MANE Select); coding-DNA position 3503, C replaced by A.
Protein change: p.Thr1168Asn; replaces threonine 1168 with asparagine.
Molecular consequence: missense variant.
Genome position (GRCh38, 1-based): chr12:2,608,657, C>A. VCF-style: chr12-2608657-C-A. GRCh37 (hg19) VCF-style: chr12-2717823-C-A.
Other names: c.3563C>A, p.Thr1188Asn (NM_001129827.2, NM_001129832.2, NM_199460.4); c.3503C>A, p.Thr1168Asn (NM_001129829.2, NM_001129830.3, NM_001129831.2 and 15 more transcripts); c.3494C>A, p.Thr1165Asn (NM_001129844.2); short protein forms T1165N, T1168N, T1188N.
Identifiers: ClinVar variation 1303511 (VCV001303511.3), dbSNP rs2153440093, ClinGen allele CA383375601.